The following is an entry in ClinVar:

NM_000288.4(PEX7):c.28C>T (p.Arg10Trp)

Gene: PEX7 (peroxisomal biogenesis factor 7; plus strand). Cytogenetic location: 6q23.3.
Variant type: single nucleotide variant.
Coding change: c.28C>T on transcript NM_000288.4 (MANE Select); coding-DNA position 28, C replaced by T.
Protein change: p.Arg10Trp; replaces arginine 10 with tryptophan.
Molecular consequence: missense variant.
Genome position (GRCh38, 1-based): chr6:136,822,693, C>T. VCF-style: chr6-136822693-C-T. GRCh37 (hg19) VCF-style: chr6-137143831-C-T.
Other names: short protein forms R10W.
Identifiers: ClinVar variation 1375474 (VCV001375474.5), dbSNP rs1321528623, ClinGen allele CA365855114.

ClinVar aggregate classification (germline): Uncertain significance (1 of 4 stars; one submission).

Conditions:
Peroxisome biogenesis disorder 9B. Also called: PEX7-Related Refsum Disease; Refsum disease, adult, 2; PEROXISOME BIOGENESIS DISORDER, PEX7-RELATED, ATYPICAL. Identifiers: Orphanet 773, MedGen C2749346, MONDO:0013945, OMIM 614879.

Allele frequency attached by ClinVar (database versions not stated): gnomAD exomes 0.00005 and 0.00001; gnomAD 0.00011 and 0.00012; TOPMed 0.00011.
gnomAD v4.1: 28 of 1,519,826 alleles (0.0018%); highest among the groups gnomAD compares: Admixed American, 0.048%; no homozygotes.

Submission:

Labcorp Genetics (formerly Invitae), Labcorp
Classification: Uncertain significance for Peroxisome biogenesis disorder 9B. Last evaluated: 2024-12-19. Review status: criteria provided, single submitter. Criteria: Invitae Variant Classification Sherloc (09022015). Collection method: clinical testing. Allele origin: germline.
Comment: This sequence change replaces arginine, which is basic and polar, with tryptophan, which is neutral and slightly polar, at codon 10 of the PEX7 protein (p.Arg10Trp). This variant is present in population databases (no rsID available, gnomAD 0.02%). This variant has not been reported in the literature in individuals affected with PEX7-related conditions. ClinVar contains an entry for this variant (Variation ID: 1375474). An algorithm developed to predict the effect of missense changes on protein structure and function (PolyPhen-2) suggests that this variant is likely to be tolerated. In summary, the available evidence is currently insufficient to determine the role of this variant in disease. Therefore, it has been classified as a Variant of Uncertain Significance.